The following is an entry in ClinVar:

ClinVar aggregate classification (germline): Uncertain significance (1 of 4 stars; one submission).

Conditions:
Chédiak-Higashi syndrome (CHS). Also called: Chediak-Higashi Syndrome. Identifiers: Orphanet 167, MedGen C0007965, MONDO:0008963, OMIM 214500.

Submission:

Labcorp Genetics (formerly Invitae), Labcorp
Classification: Uncertain significance for Chédiak-Higashi syndrome. Last evaluated: 2023-07-17. Review status: criteria provided, single submitter. Criteria: Invitae Variant Classification Sherloc (09022015). Collection method: clinical testing. Allele origin: germline.
Comment: In summary, the available evidence is currently insufficient to determine the role of this variant in disease. Therefore, it has been classified as a Variant of Uncertain Significance. Advanced modeling of protein sequence and biophysical properties (such as structural, functional, and spatial information, amino acid conservation, physicochemical variation, residue mobility, and thermodynamic stability) has been performed at Invitae for this missense variant, however the output from this modeling did not meet the statistical confidence thresholds required to predict the impact of this variant on LYST protein function. ClinVar contains an entry for this variant (Variation ID: 2044626). This variant has not been reported in the literature in individuals affected with LYST-related conditions. This variant is not present in population databases (gnomAD no frequency). This sequence change replaces glutamine, which is neutral and polar, with glutamic acid, which is acidic and polar, at codon 3713 of the LYST protein (p.Gln3713Glu).

NM_000081.4(LYST):c.11137C>G (p.Gln3713Glu)

Gene: LYST (lysosomal trafficking regulator; minus strand). Cytogenetic location: 1q42.3.
Variant type: single nucleotide variant.
Coding change: c.11137C>G on transcript NM_000081.4 (MANE Select); coding-DNA position 11137, C replaced by G.
Protein change: p.Gln3713Glu; replaces glutamine 3713 with glutamic acid.
Molecular consequence: missense variant.
Genome position (GRCh38, 1-based): chr1:235,664,523, G>C on the plus strand (C>G on the coding strand, the complement: LYST is on the minus strand). VCF-style: chr1-235664523-G-C. GRCh37 (hg19) VCF-style: chr1-235827823-G-C.
Other names: c.11137C>G, p.Gln3713Glu (NM_001301365.1); short protein forms Q3713E.
Identifiers: ClinVar variation 2044626 (VCV002044626.2), dbSNP rs2527081850, ClinGen allele CA344986785.